The following is an entry in ClinVar:

ClinVar aggregate classification (germline): Uncertain significance (1 of 4 stars; one submission).

Conditions:
Neuropathy, hereditary sensory and autonomic, type 2A (HSAN2A). Also called: WNK1-Related HSAN2 (HSAN2A); MORVAN DISEASE; NEUROPATHY, CONGENITAL SENSORY; NEUROPATHY, HEREDITARY SENSORY RADICULAR, AUTOSOMAL RECESSIVE; NEUROPATHY, HEREDITARY SENSORY, TYPE IIA; NEUROPATHY, PROGRESSIVE SENSORY, OF CHILDREN. Identifiers: Orphanet 970, MedGen C2752089, MONDO:0024309, OMIM 201300.
Generalized epilepsy with febrile seizures plus, type 7 (GEFSP7). Also called: GEFS+, TYPE 7. Identifiers: Orphanet 36387, MedGen C2751778, MONDO:0013470, OMIM 613863.

Submission:

Labcorp Genetics (formerly Invitae), Labcorp
Classification: Uncertain significance for Neuropathy, hereditary sensory and autonomic, type 2A; Generalized epilepsy with febrile seizures plus, type 7. Last evaluated: 2021-09-08. Review status: criteria provided, single submitter. Criteria: Invitae Variant Classification Sherloc (09022015). Collection method: clinical testing. Allele origin: germline.
Comment: This sequence change replaces isoleucine with threonine at codon 988 of the SCN9A protein (p.Ile988Thr). The isoleucine residue is moderately conserved and there is a moderate physicochemical difference between isoleucine and threonine. This variant is not present in population databases (ExAC no frequency). This variant has not been reported in the literature in individuals affected with SCN9A-related conditions. Algorithms developed to predict the effect of missense changes on protein structure and function are either unavailable or do not agree on the potential impact of this missense change (SIFT: "Tolerated"; PolyPhen-2: "Possibly Damaging"; Align-GVGD: "Class C0"). In summary, the available evidence is currently insufficient to determine the role of this variant in disease. Therefore, it has been classified as a Variant of Uncertain Significance.

NM_001365536.1(SCN9A):c.2996T>C (p.Ile999Thr)

Genes: SCN1A-AS1 (SCN1A and SCN9A antisense RNA 1; plus strand), SCN9A (sodium voltage-gated channel alpha subunit 9; minus strand). Cytogenetic location: 2q24.3.
Variant type: single nucleotide variant.
Coding change: c.2996T>C on transcript NM_001365536.1 (MANE Select); coding-DNA position 2996, T replaced by C.
Protein change: p.Ile999Thr; replaces isoleucine 999 with threonine.
Molecular consequence: missense variant.
Genome position (GRCh38, 1-based): chr2:166,272,754, A>G on the plus strand (T>C on the coding strand, the complement: SCN9A is on the minus strand). VCF-style: chr2-166272754-A-G. GRCh37 (hg19) VCF-style: chr2-167129264-A-G.
Other names: c.2963T>C, p.Ile988Thr (NM_002977.4); short protein forms I999T, I988T.
Identifiers: ClinVar variation 1380197 (VCV001380197.6), dbSNP rs2106461259, ClinGen allele CA349074536.